The following is an entry in ClinVar:

ClinVar aggregate classification (germline): Uncertain significance (1 of 4 stars; one submission).

Submission:

Labcorp Genetics (formerly Invitae), Labcorp
Classification: Uncertain significance. Last evaluated: 2021-08-28. Review status: criteria provided, single submitter. Criteria: Invitae Variant Classification Sherloc (09022015). Collection method: clinical testing. Allele origin: germline.
Comment: This sequence change replaces threonine with alanine at codon 19 of the TCIRG1 protein (p.Thr19Ala). The threonine residue is weakly conserved and there is a small physicochemical difference between threonine and alanine. This variant is not present in population databases (ExAC no frequency). This variant has not been reported in the literature in individuals affected with TCIRG1-related conditions. Algorithms developed to predict the effect of missense changes on protein structure and function (SIFT, PolyPhen-2, Align-GVGD) all suggest that this variant is likely to be tolerated. In summary, the available evidence is currently insufficient to determine the role of this variant in disease. Therefore, it has been classified as a Variant of Uncertain Significance.

NM_006019.4(TCIRG1):c.55A>G (p.Thr19Ala)

Gene: TCIRG1 (T cell immune regulator 1, ATPase H+ transporting V0 subunit a3; plus strand). Cytogenetic location: 11q13.2.
Variant type: single nucleotide variant.
Coding change: c.55A>G on transcript NM_006019.4 (MANE Select); coding-DNA position 55, A replaced by G.
Protein change: p.Thr19Ala; replaces threonine 19 with alanine.
Molecular consequence: missense variant. On other transcripts: 5 prime UTR variant (1).
Genome position (GRCh38, 1-based): chr11:68,041,326, A>G. VCF-style: chr11-68041326-A-G. GRCh37 (hg19) VCF-style: chr11-67808793-A-G.
Other names: c.-1195A>G (NM_001351059.2); short protein forms T19A.
Identifiers: ClinVar variation 1345537 (VCV001345537.5), dbSNP rs2134430626, ClinGen allele CA381572790.